The following is an entry in ClinVar:

ClinVar aggregate classification (germline): Uncertain significance (1 of 4 stars; one submission).

Conditions:
Progressive myoclonic epilepsy type 5. Identifiers: Orphanet 402082, MedGen C5190799.

Allele frequency attached by ClinVar (database versions not stated): gnomAD 0.00007 and 0.00010; gnomAD exomes below 0.00001; ExAC 0.00001; TOPMed 0.00006.
gnomAD v4.1: 18 of 1,614,004 alleles (0.0011%); highest among the groups gnomAD compares: African/African-American, 0.024%; no homozygotes.

Submission:

Labcorp Genetics (formerly Invitae), Labcorp
Classification: Uncertain significance for Progressive myoclonic epilepsy type 5. Last evaluated: 2023-08-17. Review status: criteria provided, single submitter. Criteria: Invitae Variant Classification Sherloc (09022015). Collection method: clinical testing. Allele origin: germline.
Comment: In summary, the available evidence is currently insufficient to determine the role of this variant in disease. Therefore, it has been classified as a Variant of Uncertain Significance. Advanced modeling of protein sequence and biophysical properties (such as structural, functional, and spatial information, amino acid conservation, physicochemical variation, residue mobility, and thermodynamic stability) performed at Invitae indicates that this missense variant is not expected to disrupt PRICKLE2 protein function. ClinVar contains an entry for this variant (Variation ID: 581183). This variant has not been reported in the literature in individuals affected with PRICKLE2-related conditions. This variant is present in population databases (rs755802840, gnomAD 0.01%). This sequence change replaces serine, which is neutral and polar, with glycine, which is neutral and non-polar, at codon 525 of the PRICKLE2 protein (p.Ser525Gly).

NM_198859.4(PRICKLE2):c.1573A>G (p.Ser525Gly)

Gene: PRICKLE2 (prickle planar cell polarity protein 2; minus strand). Cytogenetic location: 3p14.1.
Variant type: single nucleotide variant.
Coding change: c.1573A>G on transcript NM_198859.4 (MANE Select); coding-DNA position 1573, A replaced by G.
Protein change: p.Ser525Gly; replaces serine 525 with glycine.
Molecular consequence: missense variant.
Genome position (GRCh38, 1-based): chr3:64,146,917, T>C on the plus strand (A>G on the coding strand, the complement: PRICKLE2 is on the minus strand). VCF-style: chr3-64146917-T-C. GRCh37 (hg19) VCF-style: chr3-64132593-T-C.
Other names: c.1573A>G, p.Ser525Gly (NM_001370528.1); short protein forms S525G.
Identifiers: ClinVar variation 581183 (VCV000581183.9), dbSNP rs755802840, ClinGen allele CA2479604.
Genomic context (GRCh38, chr3:64,146,917, plus strand): 5'-CCATGGAGCCCCGAGGGGTCTGCTCTGTGGGCGTCATGTCCTCTGTGTATTTCAGGGAAC[T>C]GATGGGATGACGGGTCCGACACTGCTGAGTGGACAAGCCCCCTTCCTCTTCCTCTTCCTC-3'
Protein context (NP_942559.1, residues 515-535): TQQCRTRHPI[Ser525Gly]SLKYTEDMTP